The following is an entry in ClinVar:

ClinVar aggregate classification (germline): Uncertain significance. Review status: criteria provided, multiple submitters, no conflicts (2 of 4 stars). 10 submissions from 10 submitters: Uncertain significance (9). 1 of the submissions does not count toward it. Last evaluated 2026-05-12.

Conditions:
Hereditary cancer-predisposing syndrome. Also called: Hereditary Cancer Syndrome; Tumor predisposition; Neoplastic Syndromes, Hereditary; Hereditary neoplastic syndrome. Identifiers: Orphanet 140162, MedGen C0027672, MeSH D009386, MONDO:0015356.
Baller-Gerold syndrome (BGS). Also called: CRANIOSYNOSTOSIS WITH RADIAL DEFECTS. Identifiers: Orphanet 1225, MedGen C0265308, MONDO:0009039, OMIM 218600.
RECQL4-related disorder. Also called: RECQL4-related disorders; RECQL4-related condition.
Rothmund-Thomson syndrome (RTS). Also called: Poikiloderma Congenitale; Poikiloderma of Rothmund-Thomson. Identifiers: Orphanet 2909, MedGen C0032339, MONDO:0010002.
Rapadilino syndrome. Identifiers: Orphanet 3021, MedGen C1849453, MONDO:0009955, OMIM 266280.
Rothmund-Thomson syndrome type 2 (RTS2). Identifiers: Orphanet 221016, MedGen C5203410, MONDO:0016369, OMIM 268400.

Allele frequency attached by ClinVar (database versions not stated): ExAC 0.00019; gnomAD exomes 0.00025 and 0.00037; gnomAD 0.00034 and 0.00038; ESP Exome Variant Server 0.00039; TOPMed 0.00040.
gnomAD v4.1: 592 of 1,606,652 alleles (0.037%); highest among the groups gnomAD compares: Non-Finnish European, 0.044%; no homozygotes.

Submissions (19):

PreventionGenetics, part of Exact Sciences
Classification: Uncertain significance for RECQL4-related condition. Last evaluated: 2026-05-12. Review status: criteria provided, single submitter. Criteria: ACMG Guidelines, 2015. Collection method: clinical testing. Allele origin: germline.
Comment: The RECQL4 c.3055+5G>A variant is predicted to interfere with splicing. This variant has been reported in several individuals with breast cancer (Table S8, Bonache et al. 2018. PubMed ID: 30306255; Table S4, Sandoval et al. 2021. PubMed ID: 33606809). This variant has also been reported in one individual with sarcoma and Lynch syndrome (Table S1, de Angelis de Carvalho et al. 2020. PubMed ID: 32659967). This variant is present in 0.043% of alleles in individuals of Latino descent in gnomAD. This variant is interpreted as a variant of uncertain significance by multiple submitters in ClinVar (Variation ID: 406976). At this time, the clinical significance of this variant is uncertain due to the absence of conclusive functional and genetic evidence.

St. Jude Molecular Pathology, St. Jude Children's Research Hospital
Classification: Uncertain significance for Rothmund-Thomson syndrome type 2. Last evaluated: 2026-02-20. Review status: criteria provided, single submitter. Criteria: St. Jude Assertion Criteria 2020. Collection method: clinical testing. Allele origin: germline.
Comment: The RECQL4 c.3055+5G>A intronic change results in a G to A substitution at the +5 po sition of intron 17 of the RECQL4 gene. Algorithms that predict the impact of sequence changes on splicing indicate that this change may impact splicing, but to our knowledge these predictions have not been confirmed by RNA studies. This variant has a ma ximum subpopulation frequency of 0.04% in gnomAD v2.1.1. To our knowledge, this variant has not been reported in individuals with RECQL4-associated conditions. In summary, the evidence currently available is insufficie nt to determine the clinical significance of this variant. It has therefore been classified as of uncertain significance.

Dasa
Classification: Uncertain significance. Last evaluated: 2026-02-16. Review status: criteria provided, single submitter. Criteria: DASA Assertion Criteria. Collection method: clinical testing. Allele origin: germline.
Comment: NM_004260.4(RECQL4):c.3055+5G>A is a splice-region variant. This variant is rare in population databases. The currently available literature and clinical evidence are not sufficient to establish a definitive association between this variant and the reported condition. Therefore, this variant is classified as a variant of uncertain significance.

Labcorp Genetics (formerly Invitae), Labcorp
Classification: Uncertain significance for Baller-Gerold syndrome. Last evaluated: 2025-12-28. Review status: criteria provided, single submitter. Criteria: Invitae Variant Classification Sherloc (09022015). Collection method: clinical testing. Allele origin: germline.
Comment: This sequence change falls in intron 17 of the RECQL4 gene. It does not directly change the encoded amino acid sequence of the RECQL4 protein. It affects a nucleotide within the consensus splice site. This variant is present in population databases (rs377031190, gnomAD 0.04%). This variant has not been reported in the literature in individuals affected with RECQL4-related conditions. ClinVar contains an entry for this variant (Variation ID: 406976). Variants that disrupt the consensus splice site are a relatively common cause of aberrant splicing (PMID: 17576681, 9536098). Algorithms developed to predict the effect of sequence changes on RNA splicing suggest that this variant may disrupt the consensus splice site. In summary, the available evidence is currently insufficient to determine the role of this variant in disease. Therefore, it has been classified as a Variant of Uncertain Significance.

Blueprint Genetics
Classification: Uncertain significance. Last evaluated: 2024-11-13. Review status: criteria provided, single submitter. Criteria: ACMG Guidelines, 2015. Collection method: clinical testing. Allele origin: germline.

GeneDx
Classification: Uncertain significance. Last evaluated: 2024-11-13. Review status: criteria provided, single submitter. Criteria: GeneDx Variant Classification Process June 2021. Collection method: clinical testing. Allele origin: germline. Affected: yes.
Comment: Germline variant reported in a cohort of patients with breast and/or ovarian cancer (PMID: 30306255); In silico analysis is inconclusive as to whether the variant alters gene splicing. In the absence of RNA/functional studies, the actual effect of this sequence change is unknown.; This variant is associated with the following publications: (PMID: 30306255)

Sema4
Classification: Uncertain significance for Hereditary cancer-predisposing syndrome. Last evaluated: 2022-02-24. Review status: criteria provided, single submitter. Criteria: Sema4 Curation Guidelines. Collection method: curation. Allele origin: germline.
Comment: The RECQL4 c.3055+5G>A variant has been reported in an individual with both sarcoma and colorectal cancer, as well as in three individuals with breast cancer (PMID: 32659967, 30306255, 33606809). It was observed in 15/35110 chromosomes of the Latino subpopulation, with no homozygotes, in the large and broad cohorts of the Genome Aggregation Database (PMID: 32461654). The variant has been reported in ClinVar (Variation ID: 406976). In silico tools suggest the variant may disrupt normal splicing, however these predictions have not been confirmed by transcriptional studies. The evidence is insufficient to meet ACMG/AMP criteria for classifying the variant as benign or pathogenic. Thus, the clinical significance of this variant is currently uncertain.

Genetic Services Laboratory, University of Chicago
Classification: Uncertain significance. Last evaluated: 2021-03-30. Review status: criteria provided, single submitter. Criteria: ACMG Guidelines, 2015. Collection method: clinical testing. Allele origin: germline. Affected: no.

Fulgent Genetics
Classification: Uncertain significance for Baller-Gerold syndrome; Rapadilino syndrome; Rothmund-Thomson syndrome type 2. Last evaluated: 2018-10-31. Review status: criteria provided, single submitter. Criteria: ACMG Guidelines, 2015. Collection method: clinical testing. Allele origin: unknown.

Department of Pathology and Laboratory Medicine, Sinai Health System
Classification: Uncertain significance. Review status: no assertion criteria provided. Collection method: clinical testing. Allele origin: unknown. Affected: yes. Study: The Canadian Open Genetics Repository (COGR). Not counted in ClinVar's aggregate classification.
Comment: The RECQL4 c.3055+5G>A variant was not identified in the literature nor was it identified in Cosmic, however it was identified in dbSNP (ID: rs377031190), ClinVar (classified as a VUS for Baller-Gerold syndrome by Invitae) and LOVD 3.0. The variant was identified in control databases in 70 of 274826 chromosomes at a frequency of 0.000255 (Genome Aggregation Database Feb 27, 2017). The variant was observed in the following populations: Other in 3 of 7006 chromosomes (freq: 0.000428), Latino in 15 of 35110 chromosomes (freq: 0.000427), European (non-Finnish) in 44 of 125042 chromosomes (freq: 0.000352), African in 5 of 23698 chromosomes (freq: 0.000211), Ashkenazi Jewish in 1 of 10006 chromosomes (freq: 0.0001) and European (Finnish) in 2 of 24164 chromosomes (freq: 0.000083); it was not observed in the East Asian and South Asian populations. The c.3055+5G>A variant is located in the 5' splice region but does not affect the invariant +1 and +2 positions. However, positions +3 to +6 are part of the splicing consensus sequence and variants involving these positions sometimes affect splicing. In addition, 4 of 4 in silico or computational prediction software programs (SpliceSiteFinder, MaxEntScan, NNSPLICE, and GeneSplicer) predict a greater than 10% difference in splicing and the loss of the 5' canonical splice site. In summary, based on the above information the clinical significance of this variant cannot be determined with certainty at this time. This variant is classified as a variant of uncertain significance.

Dr. Peter K. Rogan Lab, Western University
No classification provided (evidence only). Condition: Lung cancer. Review status: no classification provided. Collection method: in vitro. Allele origin: not applicable. Functional consequence: retained intron. Not counted in ClinVar's aggregate classification.

Dr. Peter K. Rogan Lab, Western University
No classification provided (evidence only). Condition: Lung cancer. Review status: no classification provided. Collection method: in vitro. Allele origin: not applicable. Functional consequence: skipped exon, retained intron. Not counted in ClinVar's aggregate classification.

Dr. Peter K. Rogan Lab, Western University
No classification provided (evidence only). Condition: Acute myeloid leukemia. Review status: no classification provided. Collection method: in vitro. Allele origin: not applicable. Functional consequence: skipped exon, retained intron. Not counted in ClinVar's aggregate classification.

Dr. Peter K. Rogan Lab, Western University
No classification provided (evidence only). Condition: Cervical cancer. Review status: no classification provided. Collection method: in vitro. Allele origin: not applicable. Functional consequence: skipped exon, retained intron. Not counted in ClinVar's aggregate classification.

Dr. Peter K. Rogan Lab, Western University
No classification provided (evidence only). Condition: Sarcoma. Review status: no classification provided. Collection method: in vitro. Allele origin: not applicable. Functional consequence: retained intron. Not counted in ClinVar's aggregate classification.

Dr. Peter K. Rogan Lab, Western University
No classification provided (evidence only). Condition: Uveal melanoma. Review status: no classification provided. Collection method: in vitro. Allele origin: not applicable. Functional consequence: skipped exon, retained intron. Not counted in ClinVar's aggregate classification.

Dr. Peter K. Rogan Lab, Western University
No classification provided (evidence only). Condition: Malignant tumor of esophagus. Review status: no classification provided. Collection method: in vitro. Allele origin: not applicable. Functional consequence: skipped exon, retained intron. Not counted in ClinVar's aggregate classification.

Dr. Peter K. Rogan Lab, Western University
No classification provided (evidence only). Condition: Chronic lymphocytic leukemia/small lymphocytic lymphoma. Review status: no classification provided. Collection method: in vitro. Allele origin: not applicable. Functional consequence: skipped exon, retained intron. Not counted in ClinVar's aggregate classification.

Dr. Peter K. Rogan Lab, Western University
No classification provided (evidence only). Condition: Lymphoma. Review status: no classification provided. Collection method: in vitro. Allele origin: not applicable. Functional consequence: skipped exon, retained intron. Not counted in ClinVar's aggregate classification.

Literature cited by the submitters: PubMed 17576681 (cited by Labcorp Genetics (formerly Invitae), Labcorp); PubMed 9536098 (cited by Labcorp Genetics (formerly Invitae), Labcorp); PubMed 32659967 (cited by Sema4); PubMed 30306255 (cited by Sema4); PubMed 33606809 (cited by Sema4).

NM_004260.4(RECQL4):c.3055+5G>A

Gene: RECQL4 (RecQ like helicase 4; minus strand). Cytogenetic location: 8q24.3.
Variant type: single nucleotide variant.
Coding change: c.3055+5G>A on transcript NM_004260.4 (MANE Select); 5 bases into the intron after coding-DNA position 3055, G replaced by A.
Molecular consequence: intron variant.
Genome position (GRCh38, 1-based): chr8:144,512,387, C>T on the plus strand (G>A on the coding strand, the complement: RECQL4 is on the minus strand). VCF-style: chr8-144512387-C-T. GRCh37 (hg19) VCF-style: chr8-145737770-C-T.
Identifiers: ClinVar variation 406976 (VCV000406976.21), dbSNP rs377031190, ClinGen allele CA4947961.